The following is an entry in ClinVar:

NM_014743.3(KIAA0232):c.12C>G (p.Ile4Met)

Gene: KIAA0232 (KIAA0232; plus strand). Cytogenetic location: 4p16.1.
Variant type: single nucleotide variant.
Coding change: c.12C>G on transcript NM_014743.3 (MANE Select); coding-DNA position 12, C replaced by G.
Protein change: p.Ile4Met; replaces isoleucine 4 with methionine.
Molecular consequence: missense variant.
Genome position (GRCh38, 1-based): chr4:6,824,465, C>G. VCF-style: chr4-6824465-C-G. GRCh37 (hg19) VCF-style: chr4-6826192-C-G.
Other names: c.12C>G, p.Ile4Met (NM_001100590.2); short protein forms I4M.
Identifiers: ClinVar variation 3345750 (VCV003345750.1).

ClinVar aggregate classification (germline): Uncertain significance (0 of 4 stars; one submission).

Conditions:
KIAA0232-related disorder. Also called: KIAA0232-related condition.

Submission:

PreventionGenetics, part of Exact Sciences
Classification: Uncertain significance for KIAA0232-related condition. Last evaluated: 2024-07-18. Review status: no assertion criteria provided. Collection method: clinical testing. Allele origin: germline.
Comment: The KIAA0232 c.12C>G variant is predicted to result in the amino acid substitution p.Ile4Met. To our knowledge, this variant has not been reported in the literature or in a large population database, indicating this variant is rare. At this time, the clinical significance of this variant is uncertain due to the absence of conclusive functional and genetic evidence.